The following is an entry in ClinVar:

NM_001377.3(DYNC2H1):c.2692C>T (p.Arg898Ter)

Gene: DYNC2H1 (dynein cytoplasmic 2 heavy chain 1; plus strand). Cytogenetic location: 11q22.3.
Variant type: single nucleotide variant.
Coding change: c.2692C>T on transcript NM_001377.3 (MANE Select); coding-DNA position 2692, C replaced by T.
Protein change: p.Arg898Ter; replaces arginine 898 with a stop codon.
Molecular consequence: nonsense.
Genome position (GRCh38, 1-based): chr11:103,143,385, C>T. VCF-style: chr11-103143385-C-T. GRCh37 (hg19) VCF-style: chr11-103014114-C-T.
Other names: c.2692C>T (NM_001080463.1); c.2692C>T, p.Arg898Ter (NM_001080463.2); short protein forms R898*.
Identifiers: ClinVar variation 2431209 (VCV002431209.7), dbSNP rs1007294927, ClinGen allele CA382264385.

ClinVar aggregate classification (germline): Pathogenic/Likely pathogenic. Review status: criteria provided, multiple submitters, no conflicts (2 of 4 stars). 4 submissions from 4 submitters: Pathogenic (3); Likely pathogenic (1). Last evaluated 2026-01-12.

Conditions:
DYNC2H1-related disorder. Also called: DYNC2H1-related disorders; DYNC2H1-related condition. Identifiers: MedGen CN378770.
Asphyxiating thoracic dystrophy 3. Also called: SHORT-RIB THORACIC DYSPLASIA 3/6 WITH POLYDACTYLY, DIGENIC; Short rib polydactyly syndrome 2B; Saldino-Noonan Syndrome; SHORT-RIB THORACIC DYSPLASIA 3 WITH OR WITHOUT POLYDACTYLY; POLYDACTYLY WITH NEONATAL CHONDRODYSTROPHY, TYPE I. Identifiers: Orphanet 474, Orphanet 93269, Orphanet 93270, Orphanet 93271, MedGen C0036069, MONDO:0013127, OMIM 613091.
Jeune thoracic dystrophy. Also called: Jeune syndrome; Infantile thoracic dystrophy; Thoracic pelvic phalangeal dystrophy; Jeune's syndrome; Chondroectodermal dysplasia-like syndrome; Short-rib thoracic dysplasia. Identifiers: Orphanet 474, MedGen C0265275, MONDO:0018770.

Allele frequency attached by ClinVar (database versions not stated): TOPMed 0.00001.
gnomAD v4.1: 18 of 1,609,714 alleles (0.0011%); highest among the groups gnomAD compares: South Asian, 0.0022%; no homozygotes.

Submissions (4):

Labcorp Genetics (formerly Invitae), Labcorp
Classification: Pathogenic for Jeune thoracic dystrophy. Last evaluated: 2026-01-12. Review status: criteria provided, single submitter. Criteria: Invitae Variant Classification Sherloc (09022015). Collection method: clinical testing. Allele origin: germline.
Comment: This sequence change creates a premature translational stop signal (p.Arg898*) in the DYNC2H1 gene. It is expected to result in an absent or disrupted protein product. Loss-of-function variants in DYNC2H1 are known to be pathogenic (PMID: 23339108, 32753734, 33755199). This variant is not present in population databases (gnomAD no frequency). This variant has not been reported in the literature in individuals affected with DYNC2H1-related conditions. ClinVar contains an entry for this variant (Variation ID: 2431209). Algorithms developed to predict the effect of sequence changes on RNA splicing suggest that this variant may disrupt the consensus splice site. For these reasons, this variant has been classified as Pathogenic.

Myriad Genetics, Inc.
Classification: Pathogenic for Asphyxiating thoracic dystrophy 3. Last evaluated: 2024-04-21. Review status: criteria provided, single submitter. Criteria: Myriad Autosomal Dominant, Autosomal Recessive and X-Linked Classification Criteria (2023). Collection method: clinical testing. Allele origin: unknown.
Comment: NM_001377.2(DYNC2H1):c.2692C>T(R898*) is expected to be pathogenic in the context of DYNC2H1-related disorders. This variant is predicted to lead to an abnormal or absent protein product due to the creation of a premature termination codon in DYNC2H1, a gene where loss-of-function variants are known to be pathogenic. Please note: this variant was assessed in the context of healthy population screening.

PreventionGenetics, part of Exact Sciences
Classification: Likely pathogenic for DYNC2H1-related condition. Last evaluated: 2023-03-31. Review status: criteria provided, single submitter. Criteria: ACMG Guidelines, 2015. Collection method: clinical testing. Allele origin: germline.
Comment: The DYNC2H1 c.2692C>T variant is predicted to result in premature protein termination (p.Arg898*). To our knowledge, this variant has not been reported in the literature or in a large population database, indicating this variant is rare. Nonsense variants in DYNC2H1 are expected to be pathogenic. This variant is interpreted as likely pathogenic.

Department of Maternal-Fetal Biology, National Research Institute for Child Health and Development
Classification: Pathogenic for Asphyxiating thoracic dystrophy 3. Last evaluated: 2022-01-01. Review status: criteria provided, single submitter. Criteria: ACMG Guidelines, 2015. Collection method: research. Allele origin: maternal. Affected: yes. Observed: 1 variant allele.

Literature cited by the submitters: PubMed 23339108 (cited by Labcorp Genetics (formerly Invitae), Labcorp); PubMed 32753734 (cited by Labcorp Genetics (formerly Invitae), Labcorp); PubMed 33755199 (cited by Labcorp Genetics (formerly Invitae), Labcorp).